The following is an entry in ClinVar:

NM_000492.4(CFTR):c.1937del (p.Gly646fs)

Gene: CFTR (CF transmembrane conductance regulator; plus strand). Cytogenetic location: 7q31.2.
Variant type: Deletion.
Coding change: c.1937del on transcript NM_000492.4 (MANE Select); coding-DNA position 1937, one base deleted (G; older notation c.1937delG).
Protein change: p.Gly646fs; shifts the reading frame from glycine 646.
Molecular consequence: frameshift variant.
Genome position (GRCh38, 1-based): chr7:117,592,104, G deleted; the last of 3 consecutive G bases (chr7:117,592,102-117,592,104); deleting any one gives the same sequence. VCF-style (leftmost placement, unchanged base first): chr7-117592101-TG-T. GRCh37 (hg19) VCF-style: chr7-117232155-TG-T.
Other names: short protein forms G646fs.
Identifiers: ClinVar variation 1782984 (VCV001782984.2), dbSNP rs2485109512, ClinGen allele CA2580076508.

ClinVar aggregate classification (germline): Pathogenic (1 of 4 stars; one submission).

Conditions:
Cystic fibrosis (CF). Also called: MUCOVISCIDOSIS. Identifiers: Orphanet 586, MedGen C0010674, MONDO:0009061, OMIM 219700. Disease mechanism: loss of function.

Submission:

Ambry Genetics
Classification: Pathogenic for Cystic fibrosis. Last evaluated: 2019-07-09. Review status: criteria provided, single submitter. Criteria: Ambry Variant Classification Scheme 2023. Collection method: clinical testing. Allele origin: germline.
Comment: The c.1937delG pathogenic mutation, located in coding exon 14 of the CFTR gene, results from a deletion of one nucleotide at nucleotide position 1937, causing a translational frameshift with a predicted alternate stop codon (p.G646Dfs*17). This alteration is expected to result in loss of function by premature protein truncation or nonsense-mediated mRNA decay. As such, this alteration is interpreted as a disease-causing mutation.